The following is an entry in ClinVar:

NM_207037.2(TCF12):c.1718T>C (p.Ile573Thr)

Gene: TCF12 (transcription factor 12; plus strand). Cytogenetic location: 15q21.3.
Variant type: single nucleotide variant.
Coding change: c.1718T>C on transcript NM_207037.2 (MANE Select); coding-DNA position 1718, T replaced by C.
Protein change: p.Ile573Thr; replaces isoleucine 573 with threonine.
Molecular consequence: missense variant.
Genome position (GRCh38, 1-based): chr15:57,263,247, T>C. VCF-style: chr15-57263247-T-C. GRCh37 (hg19) VCF-style: chr15-57555445-T-C.
Other names: c.1718T>C, p.Ile573Thr (NM_001322151.2, NM_001322152.2, NM_001322159.3 and 2 more transcripts); c.1061T>C, p.Ile354Thr (NM_001322154.2); c.1544T>C, p.Ile515Thr (NM_001322156.2); c.1646T>C, p.Ile549Thr (NM_001322157.3, NM_001322165.2, NM_003205.4 and 1 more transcripts); c.1472T>C, p.Ile491Thr (NM_001322158.2); c.1715T>C, p.Ile572Thr (NM_001322161.2); c.1208T>C, p.Ile403Thr (NM_001306219.3); c.938T>C, p.Ile313Thr (NM_001306220.3); and 2 more; short protein forms I354T, I379T, I491T, I561T, I572T, I403T, I515T, I313T.
Identifiers: ClinVar variation 2039515 (VCV002039515.4), dbSNP rs775943325, ClinGen allele CA7581342.

ClinVar aggregate classification (germline): Uncertain significance (1 of 4 stars; one submission).

Allele frequency attached by ClinVar (database versions not stated): TOPMed below 0.00001; gnomAD exomes 0.00001; ExAC 0.00002.
gnomAD v4.1: 10 of 1,611,148 alleles (0.00062%); highest among the groups gnomAD compares: Admixed American, 0.0034%; no homozygotes.

Submission:

Labcorp Genetics (formerly Invitae), Labcorp
Classification: Uncertain significance. Last evaluated: 2022-02-14. Review status: criteria provided, single submitter. Criteria: Invitae Variant Classification Sherloc (09022015). Collection method: clinical testing. Allele origin: germline.
Comment: In summary, the available evidence is currently insufficient to determine the role of this variant in disease. Therefore, it has been classified as a Variant of Uncertain Significance. Algorithms developed to predict the effect of missense changes on protein structure and function (SIFT, PolyPhen-2, Align-GVGD) all suggest that this variant is likely to be tolerated. This sequence change replaces isoleucine, which is neutral and non-polar, with threonine, which is neutral and polar, at codon 573 of the TCF12 protein (p.Ile573Thr). This variant is present in population databases (rs775943325, gnomAD 0.003%). This variant has not been reported in the literature in individuals affected with TCF12-related conditions.